The following is an entry in ClinVar:

ClinVar aggregate classification (germline): Likely pathogenic (1 of 4 stars; one submission).

Conditions:
Neurodevelopmental-craniofacial syndrome with variable renal and cardiac abnormalities. Identifiers: MedGen C5561984, MONDO:0859190, OMIM 619522.

Submission:

Neuberg Centre For Genomic Medicine, NCGM
Classification: Likely pathogenic for Neurodevelopmental-craniofacial syndrome with variable renal and cardiac abnormalities. Review status: criteria provided, single submitter. Criteria: ACMG Guidelines, 2015. Collection method: clinical testing. Allele origin: germline. Inheritance: Autosomal dominant inheritance. Affected: yes.
Comment: The indel c.2912-5_2912-1delTTCAGinsGAA variant in ZMYM2 gene has not been reported previously as a pathogenic variant nor as a benign variant, to our knowledge. This c.2912-5_2912-1delTTCAGinsGAA variant is absent in gnomAD exomes database. This variant has not been submitted to the ClinVar database. Loss of function variants have been previously reported to be disease causing. For these reasons, this variant has been classified as Likely Pathogenic.

NM_197968.4(ZMYM2):c.2912-5_2912-1delinsGAA

Gene: ZMYM2 (zinc finger MYM-type containing 2; plus strand). Cytogenetic location: 13q12.11.
Variant type: Indel.
Coding change: c.2912-5_2912-1delinsGAA on transcript NM_197968.4 (MANE Select); 5 bases into the intron before coding-DNA position 2912 through the canonical splice acceptor site of the intron before coding-DNA position 2912, TTCAG replaced by GAA.
Molecular consequence: splice acceptor variant.
Genome position (GRCh38, 1-based): chr13:20,062,841-20,062,845, TTCAG replaced by GAA. VCF-style: chr13-20062841-TTCAG-GAA. GRCh37 (hg19) VCF-style: chr13-20636981-TTCAG-GAA.
Other names: c.2651-5_2651-1delinsGAA (NM_001353163.2); c.2912-5_2912-1delinsGAA (NM_001353157.2, NM_001353164.2, NM_001353159.2 and 5 more transcripts); c.2717-5_2717-1delinsGAA (NM_001353161.3); c.2912-5_2912-1delTTCAGinsGAA (NM_197968.4).
Identifiers: ClinVar variation 3731541 (VCV003731541.1).